The following is an entry in ClinVar:

NM_001244008.2(KIF1A):c.596_597insAAGTCCTGAGTCCACCTG (p.Gly199_Asn200insSerProGluSerThrTrp)

Gene: KIF1A (kinesin family member 1A; minus strand). Cytogenetic location: 2q37.3.
Variant type: Insertion.
Coding change: c.596_597insAAGTCCTGAGTCCACCTG on transcript NM_001244008.2 (MANE Select); coding-DNA positions 596 to 597, AAGTCCTGAGTCCACCTG inserted.
Protein change: p.Gly199_Asn200insSerProGluSerThrTrp.
Molecular consequence: inframe insertion.
Genome position: GRCh38 VCF-style: chr2-240786346-C-CCAGGTGGACTCAGGACTT. GRCh37 (hg19) VCF-style: chr2-241725763-C-CCAGGTGGACTCAGGACTT.
Other names: c.596_597insAAGTCCTGAGTCCACCTG, p.Gly199_Asn200insSerProGluSerThrTrp (NM_001320705.2, NM_001330289.2, NM_001330290.2 and 20 more transcripts).
Identifiers: ClinVar variation 4531853 (VCV004531853.1).

ClinVar aggregate classification (germline): Pathogenic (1 of 4 stars; one submission).

Conditions:
KIF1A related neurological disorder. Identifiers: MedGen CN312623, MONDO:0700055.

Submission:

Victorian Clinical Genetics Services, Murdoch Childrens Research Institute
Classification: Pathogenic for KIF1A related neurological disorder. Last evaluated: 2025-01-20. Review status: criteria provided, single submitter. Criteria: ACMG Guidelines, 2015. Collection method: clinical testing. Allele origin: germline. Affected: yes.
Comment: This variant is classified as Pathogenic. Evidence in support of pathogenic classification: In-frame insertion/deletion in a non-repetitive region that has high conservation; Variant is absent from gnomAD (v2, v3 and v4); Additional information: This variant is heterozygous; This gene is known to be associated with both recessive and dominant disease. Genotype-phenotype correlation is currently not established. Missense variants tend to cluster within the kinesin motor domain and have been reported for both SPG30 and NESCAV syndrome. Only the correlation for HSAN2 (MIM#614213) is established with almost all patients harbouring null variants outside the motor domain (PMID: 32737135); This variant has no previous evidence of pathogenicity; No published segregation evidence has been identified for this variant; No published functional evidence has been identified for this variant; No comparable variants have previous evidence for pathogenicity; Variant is located in the annotated kinesin motor domain (DECIPHER). - Dominant negative, loss of function and gain of function are known mechanisms of disease in this gene. Dominant negative effect has been shown to cause NESCAV syndrome (MIM#614255; OMIM). Both loss and gain of function mechanisms have been reported for variants causing spastic paraplegia (MIM#610357) and hereditary sensory and autonomic neuropathy type 2 (HSAN2; MIM#614213) (PMID 31488895, 31455732).

Literature cited by the submitters: PubMed 32737135.